The following is an entry in ClinVar:

ClinVar aggregate classification (germline): Uncertain significance (1 of 4 stars; one submission).

Conditions:
Inborn genetic diseases. Identifiers: MedGen C0950123, MeSH D030342.

Allele frequency attached by ClinVar (database versions not stated): gnomAD exomes below 0.00001.

Submission:

Ambry Genetics
Classification: Uncertain significance for Inborn genetic diseases. Last evaluated: 2022-08-09. Review status: criteria provided, single submitter. Criteria: Ambry Variant Classification Scheme 2023. Collection method: clinical testing. Allele origin: germline.
Comment: The c.348+5T>C intronic alteration consists of a T to C substitution nucleotides after coding exon 4 in the ASL gene. Based on insufficient or conflicting evidence, the clinical significance of this alteration remains unclear.

NM_000048.4(ASL):c.348+5T>C

Gene: ASL (argininosuccinate lyase; plus strand). Cytogenetic location: 7q11.21.
Variant type: single nucleotide variant.
Coding change: c.348+5T>C on transcript NM_000048.4 (MANE Select); 5 bases into the intron after coding-DNA position 348, T replaced by C.
Molecular consequence: intron variant.
Genome position (GRCh38, 1-based): chr7:66,082,941, T>C. VCF-style: chr7-66082941-T-C. GRCh37 (hg19) VCF-style: chr7-65547928-T-C.
Other names: c.348+5T>C (NM_001024943.2, NM_001024944.2, NM_001024946.2).
Identifiers: ClinVar variation 2298374 (VCV002298374.2), dbSNP rs2484997520, ClinGen allele CA2580077299.